The following is an entry in ClinVar:

NM_003072.5(SMARCA4):c.2878G>A (p.Glu960Lys)

Gene: SMARCA4 (SWI/SNF related BAF chromatin remodeling complex subunit ATPase 4; plus strand). Cytogenetic location: 19p13.2.
Variant type: single nucleotide variant.
Coding change: c.2878G>A on transcript NM_003072.5 (MANE Select); coding-DNA position 2878, G replaced by A.
Protein change: p.Glu960Lys; replaces glutamic acid 960 with lysine.
Molecular consequence: missense variant. On other transcripts: non-coding transcript variant (1).
Genome position (GRCh38, 1-based): chr19:11,023,536, G>A. VCF-style: chr19-11023536-G-A. GRCh37 (hg19) VCF-style: chr19-11134212-G-A.
Other names: c.2878G>A, p.Glu960Lys (NM_001128844.3, NM_001128845.2, NM_001128846.2 and 6 more transcripts); short protein forms E960K.
Identifiers: ClinVar variation 4802570 (VCV004802570.1).

ClinVar aggregate classification (germline): Uncertain significance (1 of 4 stars; one submission).

Conditions:
Rhabdoid tumor predisposition syndrome 2 (RTPS2). Identifiers: Orphanet 231108, Orphanet 69077, MedGen C2750074, MONDO:0013224, OMIM 613325.

Submission:

Labcorp Genetics (formerly Invitae), Labcorp
Classification: Uncertain significance for Rhabdoid tumor predisposition syndrome 2. Last evaluated: 2025-07-27. Review status: criteria provided, single submitter. Criteria: Invitae Variant Classification Sherloc (09022015). Collection method: clinical testing. Allele origin: germline.
Comment: This sequence change replaces glutamic acid, which is acidic and polar, with lysine, which is basic and polar, at codon 960 of the SMARCA4 protein (p.Glu960Lys). This variant is not present in population databases (gnomAD no frequency). This variant has not been reported in the literature in individuals affected with SMARCA4-related conditions. Invitae Evidence Modeling of protein sequence and biophysical properties (such as structural, functional, and spatial information, amino acid conservation, physicochemical variation, residue mobility, and thermodynamic stability) indicates that this missense variant is expected to disrupt SMARCA4 protein function with a positive predictive value of 95%. In summary, the available evidence is currently insufficient to determine the role of this variant in disease. Therefore, it has been classified as a Variant of Uncertain Significance.